The following is an entry in ClinVar:

ClinVar aggregate classification (germline): Benign. Review status: criteria provided, multiple submitters, no conflicts (2 of 4 stars). 2 submissions from 2 submitters: Benign (2). Last evaluated 2018-06-19.

Allele frequency attached by ClinVar (database versions not stated): TOPMed 0.43166; 1000 Genomes Project 0.39117; 1000 Genomes Project 30x 0.39179.
gnomAD v4.1: 68,028 of 152,008 alleles (45%); highest among the groups gnomAD compares: Non-Finnish European, 49%; 15,452 homozygotes.

Submissions (3):

GeneDx
Classification: Benign. Last evaluated: 2018-06-19. Review status: criteria provided, single submitter. Criteria: GeneDx Variant Classification (06012015). Collection method: clinical testing. Allele origin: germline. Affected: yes.
Comment: This variant is considered likely benign or benign based on one or more of the following criteria: it is a conservative change, it occurs at a poorly conserved position in the protein, it is predicted to be benign by multiple in silico algorithms, and/or has population frequency not consistent with disease.

Breakthrough Genomics
Classification: Benign. Review status: criteria provided, single submitter. Criteria: ACMG Guidelines, 2015. Collection method: not provided. Allele origin: germline. Inheritance: Autosomal recessive inheritance. Affected: yes.

Dr. Peter K. Rogan Lab, Western University
No classification provided (evidence only). Condition: Hepatocellular carcinoma. Review status: no classification provided. Collection method: in vitro. Allele origin: not applicable. Functional consequence: retained intron. Not counted in ClinVar's aggregate classification.

NM_000350.3(ABCA4):c.4254-171C>T

Gene: ABCA4 (ATP binding cassette subfamily A member 4; minus strand). Cytogenetic location: 1p22.1.
Variant type: single nucleotide variant.
Coding change: c.4254-171C>T on transcript NM_000350.3 (MANE Select); 171 bases into the intron before coding-DNA position 4254, C replaced by T.
Molecular consequence: intron variant.
Genome position (GRCh38, 1-based): chr1:94,030,697, G>A on the plus strand (C>T on the coding strand, the complement: ABCA4 is on the minus strand). VCF-style: chr1-94030697-G-A. GRCh37 (hg19) VCF-style: chr1-94496253-G-A.
Other names: NC_000001.10:g.94496253G>A.
Identifiers: ClinVar variation 678758 (VCV000678758.3), dbSNP rs2297671, ClinGen allele CA10733600.